The following is an entry in ClinVar:

NM_006231.4(POLE):c.1114G>A (p.Val372Met)

Gene: POLE (DNA polymerase epsilon, catalytic subunit; minus strand). Cytogenetic location: 12q24.33.
Variant type: single nucleotide variant.
Coding change: c.1114G>A on transcript NM_006231.4 (MANE Select); coding-DNA position 1114, G replaced by A.
Protein change: p.Val372Met; replaces valine 372 with methionine.
Molecular consequence: missense variant.
Genome position (GRCh38, 1-based): chr12:132,675,510, C>T on the plus strand (G>A on the coding strand, the complement: POLE is on the minus strand). VCF-style: chr12-132675510-C-T. GRCh37 (hg19) VCF-style: chr12-133252096-C-T.
Other names: short protein forms V372M.
Identifiers: ClinVar variation 1375862 (VCV001375862.8), dbSNP rs901814901, ClinGen allele CA246298204.

ClinVar aggregate classification (germline): Uncertain significance. Review status: criteria provided, multiple submitters, no conflicts (2 of 4 stars). 2 submissions from 2 submitters: Uncertain significance (2). Last evaluated 2022-03-01.

Conditions:
Hereditary cancer-predisposing syndrome. Also called: Neoplastic Syndromes, Hereditary; Hereditary Cancer Syndrome; Tumor predisposition; Hereditary neoplastic syndrome. Identifiers: Orphanet 140162, MedGen C0027672, MeSH D009386, MONDO:0015356.

Submissions (2):

Labcorp Genetics (formerly Invitae), Labcorp
Classification: Uncertain significance. Last evaluated: 2022-03-01. Review status: criteria provided, single submitter. Criteria: Invitae Variant Classification Sherloc (09022015). Collection method: clinical testing. Allele origin: germline.
Comment: This sequence change replaces valine, which is neutral and non-polar, with methionine, which is neutral and non-polar, at codon 372 of the POLE protein (p.Val372Met). This variant is not present in population databases (gnomAD no frequency). This variant has not been reported in the literature in individuals affected with POLE-related conditions. Algorithms developed to predict the effect of missense changes on protein structure and function are either unavailable or do not agree on the potential impact of this missense change (SIFT: "Deleterious"; PolyPhen-2: "Probably Damaging"; Align-GVGD: "Class C0"). In summary, the available evidence is currently insufficient to determine the role of this variant in disease. Therefore, it has been classified as a Variant of Uncertain Significance.

Ambry Genetics
Classification: Uncertain significance for Hereditary cancer-predisposing syndrome. Last evaluated: 2021-06-30. Review status: criteria provided, single submitter. Criteria: Ambry Variant Classification Scheme 2023. Collection method: clinical testing. Allele origin: germline.
Comment: The p.V372M variant (also known as c.1114G>A), located in coding exon 12 of the POLE gene, results from a G to A substitution at nucleotide position 1114. The valine at codon 372 is replaced by methionine, an amino acid with highly similar properties. This amino acid position is well conserved in available vertebrate species. In addition, this alteration is predicted to be tolerated by in silico analysis. Since supporting evidence is limited at this time, the clinical significance of this alteration remains unclear.